The following is an entry in ClinVar:

ClinVar aggregate classification (germline): Uncertain significance. Review status: criteria provided, multiple submitters, no conflicts (2 of 4 stars). 3 submissions from 3 submitters: Uncertain significance (2). 1 of the submissions does not count toward it. Last evaluated 2022-06-25.

Conditions:
TH-deficient dopa-responsive dystonia. Also called: Tyrosine Hydroxylase-Deficient Dopa-Responsive Dystonia; DYT-TH; Segawa syndrome, autosomal recessive. Identifiers: Orphanet 101150, MedGen C2673535, MONDO:0011551, OMIM 605407.

Allele frequency attached by ClinVar (database versions not stated): ExAC 0.00003; TOPMed 0.00005; gnomAD exomes 0.00003 and 0.00002; gnomAD 0.00005.

Submissions (3):

Labcorp Genetics (formerly Invitae), Labcorp
Classification: Uncertain significance for TH-deficient dopa-responsive dystonia. Last evaluated: 2022-06-25. Review status: criteria provided, single submitter. Criteria: Invitae Variant Classification Sherloc (09022015). Collection method: clinical testing. Allele origin: germline.
Comment: This sequence change replaces lysine, which is basic and polar, with arginine, which is basic and polar, at codon 24 of the TH protein (p.Lys24Arg). This variant is present in population databases (rs768206231, gnomAD 0.005%). This variant has not been reported in the literature in individuals affected with TH-related conditions. ClinVar contains an entry for this variant (Variation ID: 640410). Advanced modeling of protein sequence and biophysical properties (such as structural, functional, and spatial information, amino acid conservation, physicochemical variation, residue mobility, and thermodynamic stability) performed at Invitae indicates that this missense variant is not expected to disrupt TH protein function. In summary, the available evidence is currently insufficient to determine the role of this variant in disease. Therefore, it has been classified as a Variant of Uncertain Significance.

Illumina Laboratory Services, Illumina
Classification: Uncertain significance for TH-deficient dopa-responsive dystonia. Last evaluated: 2018-01-12. Review status: criteria provided, single submitter. Criteria: ICSL Variant Classification Criteria 13 December 2019. Collection method: clinical testing. Allele origin: germline.

Natera, Inc.
Classification: Uncertain significance for Autosomal recessive Segawa syndrome. Last evaluated: 2020-01-24. Review status: no assertion criteria provided. Collection method: clinical testing. Allele origin: germline. Not counted in ClinVar's aggregate classification.

NM_000360.4(TH):c.71A>G (p.Lys24Arg)

Gene: TH (tyrosine hydroxylase; minus strand). Cytogenetic location: 11p15.5.
Variant type: single nucleotide variant.
Coding change: c.71A>G on transcript NM_000360.4 (MANE Select); coding-DNA position 71, A replaced by G.
Protein change: p.Lys24Arg; replaces lysine 24 with arginine.
Molecular consequence: missense variant.
Genome position (GRCh38, 1-based): chr11:2,171,716, T>C on the plus strand (A>G on the coding strand, the complement: TH is on the minus strand). VCF-style: chr11-2171716-T-C. GRCh37 (hg19) VCF-style: chr11-2192946-T-C.
Other names: c.71A>G, p.Lys24Arg (NM_199292.3, NM_199293.3); short protein forms K24R.
Identifiers: ClinVar variation 640410 (VCV000640410.9), dbSNP rs768206231, ClinGen allele CA5818872.